The following is an entry in ClinVar:

ClinVar aggregate classification (germline): Uncertain significance (1 of 4 stars; one submission).

Conditions:
RASopathy. Also called: rasopathies; Noonan spectrum disorder. Identifiers: Orphanet 536391, MedGen C5555857, MONDO:0021060.

Submission:

Labcorp Genetics (formerly Invitae), Labcorp
Classification: Uncertain significance for RASopathy. Last evaluated: 2025-03-11. Review status: criteria provided, single submitter. Criteria: Invitae Variant Classification Sherloc (09022015). Collection method: clinical testing. Allele origin: germline.
Comment: This sequence change replaces proline, which is neutral and non-polar, with leucine, which is neutral and non-polar, at codon 498 of the CBL protein (p.Pro498Leu). This variant is not present in population databases (gnomAD no frequency). This variant has not been reported in the literature in individuals affected with CBL-related conditions. Invitae Evidence Modeling of protein sequence and biophysical properties (such as structural, functional, and spatial information, amino acid conservation, physicochemical variation, residue mobility, and thermodynamic stability) has been performed for this missense variant. However, the output from this modeling did not meet the statistical confidence thresholds required to predict the impact of this variant on CBL protein function. In summary, the available evidence is currently insufficient to determine the role of this variant in disease. Therefore, it has been classified as a Variant of Uncertain Significance.

NM_005188.4(CBL):c.1493C>T (p.Pro498Leu)

Gene: CBL (Cbl proto-oncogene; plus strand). Cytogenetic location: 11q23.3.
Variant type: single nucleotide variant.
Coding change: c.1493C>T on transcript NM_005188.4 (MANE Select); coding-DNA position 1493, C replaced by T.
Protein change: p.Pro498Leu; replaces proline 498 with leucine.
Molecular consequence: missense variant.
Genome position (GRCh38, 1-based): chr11:119,285,030, C>T. VCF-style: chr11-119285030-C-T. GRCh37 (hg19) VCF-style: chr11-119155740-C-T.
Other names: short protein forms P498L.
Identifiers: ClinVar variation 4800615 (VCV004800615.1).